The following is an entry in ClinVar:

ClinVar aggregate classification (germline): Uncertain significance. Review status: criteria provided, multiple submitters, no conflicts (2 of 4 stars). 2 submissions from 2 submitters: Uncertain significance (2). Last evaluated 2024-08-04.

Conditions:
Cardiovascular phenotype. Identifiers: MedGen CN230736.

Allele frequency attached by ClinVar (database versions not stated): gnomAD exomes below 0.00001; TOPMed 0.00003; gnomAD 0.00005.
gnomAD v4.1: 10 of 1,613,740 alleles (0.00062%); highest among the groups gnomAD compares: Admixed American, 0.012%; no homozygotes.

Submissions (2):

Ambry Genetics
Classification: Uncertain significance for Cardiovascular phenotype. Last evaluated: 2024-08-04. Review status: criteria provided, single submitter. Criteria: Ambry Variant Classification Scheme 2023. Collection method: clinical testing. Allele origin: germline.
Comment: The p.S281G variant (also known as c.841A>G), located in coding exon 6 of the SOS1 gene, results from an A to G substitution at nucleotide position 841. The serine at codon 281 is replaced by glycine, an amino acid with similar properties. This amino acid position is conserved. In addition, this alteration is predicted to be deleterious by in silico analysis. Based on the available evidence, the clinical significance of this variant remains unclear.

Laboratory for Molecular Medicine, Mass General Brigham Personalized Medicine
Classification: Uncertain significance. Last evaluated: 2011-11-17. Review status: criteria provided, single submitter. Criteria: LMM Criteria. Collection method: clinical testing. Allele origin: germline. Observed: 1 variant allele.
Comment: Variant classified as Uncertain Significance - Favor Benign. The Ser281Gly varia nt has not been reported in the literature nor identified in our laboratory in o ver 1,400 individuals. This residue is highly conserved across evolutionarily d istant species into fruit fly; however, the chicken has a glycine at this positi on. Computational analyses (AlignGVGD, PolyPhen2, SIFT) predict this change to be tolerated. It should be noted that these tools are not predictive enough to rule out pathogenicity. In the absence of additional information, such as contr ol studies, segregation data, or functional analyses, the clinical significance of this variant cannot be determined at this time.

NM_005633.4(SOS1):c.841A>G (p.Ser281Gly)

Gene: SOS1 (SOS Ras/Rac guanine nucleotide exchange factor 1; minus strand). Cytogenetic location: 2p22.1.
Variant type: single nucleotide variant.
Coding change: c.841A>G on transcript NM_005633.4 (MANE Select); coding-DNA position 841, A replaced by G.
Protein change: p.Ser281Gly; replaces serine 281 with glycine.
Molecular consequence: missense variant.
Genome position (GRCh38, 1-based): chr2:39,051,167, T>C on the plus strand (A>G on the coding strand, the complement: SOS1 is on the minus strand). VCF-style: chr2-39051167-T-C. GRCh37 (hg19) VCF-style: chr2-39278308-T-C.
Other names: c.820A>G, p.Ser274Gly (NM_001382394.1); c.841A>G, p.Ser281Gly (NM_001382395.1); short protein forms S281G, S274G.
Identifiers: ClinVar variation 45377 (VCV000045377.6), dbSNP rs397517178, ClinGen allele CA136186.